The following is an entry in ClinVar:

ClinVar aggregate classification (germline): Conflicting classifications of pathogenicity. Review status: criteria provided, conflicting classifications (1 of 4 stars). 8 submissions from 8 submitters: Uncertain significance (3); Likely benign (3). 2 of the submissions do not count toward it. Last evaluated 2026-01-20.

Conditions:
Hypertrophic cardiomyopathy 26. Also called: Cardiomyopathy, familial hypertrophic, 26. Identifiers: Orphanet 75249, MedGen C4310749, MONDO:0014883, OMIM 617047.
Myofibrillar myopathy 5. Also called: Filaminopathy (type); FILAMINOPATHY, AUTOSOMAL DOMINANT. Identifiers: Orphanet 171445, MedGen C1836050, MONDO:0012289, OMIM 609524.
Distal myopathy with posterior leg and anterior hand involvement. Also called: WILLIAMS DISTAL MYOPATHY. Identifiers: Orphanet 63273, MedGen C3279722, MONDO:0013550, OMIM 614065.
Cardiovascular phenotype. Identifiers: MedGen CN230736.

Allele frequency attached by ClinVar (database versions not stated): TOPMed 0.00011; 1000 Genomes Project 30x 0.00016; ESP Exome Variant Server 0.00016; gnomAD 0.00016; ExAC 0.00017; gnomAD exomes 0.00018.
gnomAD v4.1: 290 of 1,614,188 alleles (0.018%); highest among the groups gnomAD compares: Middle Eastern, 0.049%; no homozygotes.

Submissions (8):

Labcorp Genetics (formerly Invitae), Labcorp
Classification: Likely benign for Distal myopathy with posterior leg and anterior hand involvement; Myofibrillar myopathy 5; Hypertrophic cardiomyopathy 26. Last evaluated: 2026-01-20. Review status: criteria provided, single submitter. Criteria: Invitae Variant Classification Sherloc (09022015). Collection method: clinical testing. Allele origin: germline.

Ambry Genetics
Classification: Uncertain significance for Cardiovascular phenotype. Last evaluated: 2025-05-01. Review status: criteria provided, single submitter. Criteria: Ambry Variant Classification Scheme 2023. Collection method: clinical testing. Allele origin: germline.
Comment: The p.A1588G variant (also known as c.4763C>G), located in coding exon 28 of the FLNC gene, results from a C to G substitution at nucleotide position 4763. The alanine at codon 1588 is replaced by glycine, an amino acid with similar properties. This alteration has been reported in an autism spectrum disease cohort that underwent exome sequencing (Ji X et al. Proc Natl Acad Sci U S A, 2016 Dec;113:15054-15059). This variant has also been reported in hypertrophic cardiomyopathy (HCM) cohorts (Oktay V et al. Anatol J Cardiol, 2023 Nov;27:628-638; Jaouadi H et al. Front Med (Lausanne), 2024 Oct;11:1480947). This amino acid position is highly conserved in available vertebrate species. In addition, the in silico prediction for this alteration is inconclusive. Since supporting evidence is limited at this time, the clinical significance of this alteration remains unclear.

Blueprint Genetics
Classification: Likely benign. Last evaluated: 2024-11-14. Review status: criteria provided, single submitter. Criteria: ACMG Guidelines, 2015. Collection method: clinical testing. Allele origin: germline.

Revvity Omics, Revvity
Classification: Uncertain significance. Last evaluated: 2024-06-26. Review status: criteria provided, single submitter. Criteria: ACMG Guidelines, 2015. Collection method: clinical testing. Allele origin: germline.

CeGaT Center for Human Genetics Tuebingen
Classification: Uncertain significance. Last evaluated: 2024-06-01. Review status: criteria provided, single submitter. Criteria: CeGaT Center For Human Genetics Tuebingen Variant Classification Criteria Version 2. Collection method: clinical testing. Allele origin: germline. Affected: yes. Observed: 2 variant alleles.

GeneDx
Classification: Likely benign. Last evaluated: 2021-01-19. Review status: criteria provided, single submitter. Criteria: GeneDx Variant Classification Process June 2021. Collection method: clinical testing. Allele origin: germline. Affected: yes.
Comment: Has not been previously published as pathogenic or benign to our knowledge

Clinical Genetics DNA and cytogenetics Diagnostics Lab, Erasmus MC, Erasmus Medical Center
Classification: Uncertain significance. Review status: no assertion criteria provided. Collection method: clinical testing. Allele origin: germline. Affected: yes. Study: VKGL Data-share Consensus. Not counted in ClinVar's aggregate classification.

Genome Diagnostics Laboratory, University Medical Center Utrecht
Classification: Uncertain significance. Review status: no assertion criteria provided. Collection method: clinical testing. Allele origin: germline. Affected: yes. Study: VKGL Data-share Consensus. Not counted in ClinVar's aggregate classification.

Literature cited by the submitters: PubMed 27956632 (cited by Ambry Genetics); PubMed 37466024 (cited by Ambry Genetics); PubMed 39554508 (cited by Ambry Genetics).

NM_001458.5(FLNC):c.4763C>G (p.Ala1588Gly)

Gene: FLNC (filamin C; plus strand). Cytogenetic location: 7q32.1.
Variant type: single nucleotide variant.
Coding change: c.4763C>G on transcript NM_001458.5 (MANE Select); coding-DNA position 4763, C replaced by G.
Protein change: p.Ala1588Gly; replaces alanine 1588 with glycine.
Molecular consequence: missense variant.
Genome position (GRCh38, 1-based): chr7:128,848,818, C>G. VCF-style: chr7-128848818-C-G. GRCh37 (hg19) VCF-style: chr7-128488872-C-G.
Other names: c.4763C>G, p.Ala1588Gly (NM_001127487.2); short protein forms A1588G.
Identifiers: ClinVar variation 472078 (VCV000472078.50), dbSNP rs148545460, ClinGen allele CA4475454.
Genomic context (GRCh38, chr7:128,848,818, plus strand): 5'-GCACAGGCGGGCCTTGACCTCTGCTTCTCCCTCAGGACCCCGAGGGTAAGCCCAAGAAGG[C>G]CAACATCCGGGACAATGGGGATGGCACGTACACTGTGTCCTACCTGCCGGACATGAGTGG-3'
Protein context (NP_001449.3, residues 1578-1598): ILDPEGKPKK[Ala1588Gly]NIRDNGDGTY